The following is an entry in ClinVar:

ClinVar aggregate classification (germline): Uncertain significance (1 of 4 stars; one submission).

Conditions:
Immunodeficiency. Identifiers: MedGen C0021051, MONDO:0021094, HP:0002721.

Submission:

Labcorp Genetics (formerly Invitae), Labcorp
Classification: Uncertain significance for Immunodeficiency. Last evaluated: 2021-08-31. Review status: criteria provided, single submitter. Criteria: Invitae Variant Classification Sherloc (09022015). Collection method: clinical testing. Allele origin: germline.
Comment: Algorithms developed to predict the effect of missense changes on protein structure and function are either unavailable or do not agree on the potential impact of this missense change (SIFT: "Tolerated"; PolyPhen-2: "Probably Damaging"; Align-GVGD: "Class C0"). In summary, the available evidence is currently insufficient to determine the role of this variant in disease. Therefore, it has been classified as a Variant of Uncertain Significance. This variant has not been reported in the literature in individuals affected with NFAT5-related conditions. This sequence change replaces valine with alanine at codon 1285 of the NFAT5 protein (p.Val1285Ala). The valine residue is highly conserved and there is a small physicochemical difference between valine and alanine. This variant is not present in population databases (ExAC no frequency).

NM_138713.4(NFAT5):c.4136T>C (p.Val1379Ala)

Gene: NFAT5 (nuclear factor of activated T cells 5; plus strand). Cytogenetic location: 16q22.1.
Variant type: single nucleotide variant.
Coding change: c.4136T>C on transcript NM_138713.4 (MANE Select); coding-DNA position 4136, T replaced by C.
Protein change: p.Val1379Ala; replaces valine 1379 with alanine.
Molecular consequence: missense variant.
Genome position (GRCh38, 1-based): chr16:69,693,961, T>C. VCF-style: chr16-69693961-T-C. GRCh37 (hg19) VCF-style: chr16-69727864-T-C.
Other names: c.4133T>C, p.Val1378Ala (NM_001113178.3); c.3461T>C, p.Val1154Ala (NM_001367709.1); c.4082T>C, p.Val1361Ala (NM_006599.4); c.3854T>C, p.Val1285Ala (NM_138714.4, NM_173214.3, NM_173215.3); short protein forms V1154A, V1285A, V1361A, V1378A, V1379A.
Identifiers: ClinVar variation 1392191 (VCV001392191.6), dbSNP rs2151723912, ClinGen allele CA396514998.